The following is an entry in ClinVar:

NM_002439.5(MSH3):c.2662T>C (p.Ser888Pro)

Gene: MSH3 (mutS homolog 3; plus strand). Cytogenetic location: 5q14.1.
Variant type: single nucleotide variant.
Coding change: c.2662T>C on transcript NM_002439.5 (MANE Select); coding-DNA position 2662, T replaced by C.
Protein change: p.Ser888Pro; replaces serine 888 with proline.
Molecular consequence: missense variant.
Genome position (GRCh38, 1-based): chr5:80,813,590, T>C. VCF-style: chr5-80813590-T-C. GRCh37 (hg19) VCF-style: chr5-80109409-T-C.
Other names: short protein forms S888P.
Identifiers: ClinVar variation 1794470 (VCV001794470.6), dbSNP rs2546797271, ClinGen allele CA360273814.
Genomic context (GRCh38, chr5:80,813,590, plus strand): 5'-ATATTATCAAAAACTTTTCTGGTACAATAAGTGAAATTCCTTTCTAATTTTCAGGAGGAC[T>C]CAGAGAGAGTAATGATAATTACCGGACCAAACATGGGTGGAAAGAGCTCCTACATAAAAC-3'
Protein context (NP_002430.3, residues 878-898): VPNNTDLSED[Ser888Pro]ERVMIITGPN

ClinVar aggregate classification (germline): Uncertain significance. Review status: criteria provided, multiple submitters, no conflicts (2 of 4 stars). 2 submissions from 2 submitters: Uncertain significance (2). Last evaluated 2025-11-12.

Conditions:
Hereditary cancer-predisposing syndrome. Also called: Tumor predisposition; Hereditary Cancer Syndrome; Neoplastic Syndromes, Hereditary; Hereditary neoplastic syndrome. Identifiers: Orphanet 140162, MedGen C0027672, MeSH D009386, MONDO:0015356.

Submissions (2):

Ambry Genetics
Classification: Uncertain significance for Hereditary cancer-predisposing syndrome. Last evaluated: 2025-11-12. Review status: criteria provided, single submitter. Criteria: Ambry Variant Classification Scheme 2023. Collection method: clinical testing. Allele origin: germline.
Comment: The p.S888P variant (also known as c.2662T>C), located in coding exon 20 of the MSH3 gene, results from a T to C substitution at nucleotide position 2662. The serine at codon 888 is replaced by proline, an amino acid with similar properties. This amino acid position is not well conserved in available vertebrate species. In addition, the in silico prediction for this alteration is inconclusive. Since supporting evidence is limited at this time, the clinical significance of this alteration remains unclear.

Labcorp Genetics (formerly Invitae), Labcorp
Classification: Uncertain significance. Last evaluated: 2022-11-11. Review status: criteria provided, single submitter. Criteria: Invitae Variant Classification Sherloc (09022015). Collection method: clinical testing. Allele origin: germline.
Comment: This sequence change replaces serine, which is neutral and polar, with proline, which is neutral and non-polar, at codon 888 of the MSH3 protein (p.Ser888Pro). This variant is not present in population databases (gnomAD no frequency). This variant has not been reported in the literature in individuals affected with MSH3-related conditions. Algorithms developed to predict the effect of missense changes on protein structure and function are either unavailable or do not agree on the potential impact of this missense change (SIFT: "Deleterious"; PolyPhen-2: "Possibly Damaging"; Align-GVGD: "Class C0"). In summary, the available evidence is currently insufficient to determine the role of this variant in disease. Therefore, it has been classified as a Variant of Uncertain Significance.